The following is an entry in ClinVar:

NM_030928.4(CDT1):c.538G>A (p.Gly180Ser)

Gene: CDT1 (chromatin licensing and DNA replication factor 1; plus strand). Cytogenetic location: 16q24.3.
Variant type: single nucleotide variant.
Coding change: c.538G>A on transcript NM_030928.4 (MANE Select); coding-DNA position 538, G replaced by A.
Protein change: p.Gly180Ser; replaces glycine 180 with serine.
Molecular consequence: missense variant.
Genome position (GRCh38, 1-based): chr16:88,805,489, G>A. VCF-style: chr16-88805489-G-A. GRCh37 (hg19) VCF-style: chr16-88871897-G-A.
Other names: short protein forms G180S.
Identifiers: ClinVar variation 1448282 (VCV001448282.8), dbSNP rs778663120, ClinGen allele CA8233695.

ClinVar aggregate classification (germline): Uncertain significance (1 of 4 stars; one submission).

Allele frequency attached by ClinVar (database versions not stated): gnomAD exomes 0.00004; TOPMed 0.00002; ExAC 0.00003.
gnomAD v4.1: 77 of 1,612,736 alleles (0.0048%); highest among the groups gnomAD compares: Admixed American, 0.01%; no homozygotes.

Submission:

Labcorp Genetics (formerly Invitae), Labcorp
Classification: Uncertain significance. Last evaluated: 2024-12-03. Review status: criteria provided, single submitter. Criteria: Invitae Variant Classification Sherloc (09022015). Collection method: clinical testing. Allele origin: germline.
Comment: This sequence change replaces glycine, which is neutral and non-polar, with serine, which is neutral and polar, at codon 180 of the CDT1 protein (p.Gly180Ser). This variant is present in population databases (rs778663120, gnomAD 0.006%). This variant has not been reported in the literature in individuals affected with CDT1-related conditions. ClinVar contains an entry for this variant (Variation ID: 1448282). An algorithm developed to predict the effect of missense changes on protein structure and function (PolyPhen-2) suggests that this variant¬†is likely to be tolerated. In summary, the available evidence is currently insufficient to determine the role of this variant in disease. Therefore, it has been classified as a Variant of Uncertain Significance.